The following is an entry in ClinVar:

ClinVar aggregate classification (germline): Likely pathogenic (0 of 4 stars; one submission).

Conditions:
Nephrotic syndrome. Identifiers: MedGen C0027726, MONDO:0005377, HP:0000100.

Submission:

Sydney Genome Diagnostics, Children's Hospital Westmead
Classification: Likely pathogenic for Nephrotic syndrome. Last evaluated: 2018-05-29. Review status: no assertion criteria provided. Collection method: clinical testing. Allele origin: unknown. Affected: yes. Observed: 1 variant allele, 1 heterozygote.
Comment: This frameshifting variant is predicted to create a premature stop codon 21 positions downstream (p.Met257Lysfs*21), and may result in a null allele due to nonsense-mediated mRNA decay. To our knowledge, this variant has not been previously reported in the literature or any variant databases (i.e. ExAC, ESP or dbSNP). However, other truncating mutations downstream of this amino acid have been reported in patients with cleidocranial dysplasia (Quack et al 1999 Am J Hum Genet 65:1268-1278). This variant is considered to be likely pathogenic according to the ACMG guidelines.

NM_001024630.4(RUNX2):c.770_771del (p.Met257fs)

Gene: RUNX2 (RUNX family transcription factor 2; plus strand). Cytogenetic location: 6p21.1.
Variant type: Deletion.
Coding change: c.770_771del on transcript NM_001024630.4 (MANE Select); coding-DNA positions 770 to 771, 2 bases deleted (TG; older notation c.770_771delTG).
Protein change: p.Met257fs; shifts the reading frame from methionine 257.
Molecular consequence: frameshift variant.
Genome position (GRCh38, 1-based): chr6:45,492,025-45,492,026, TG deleted. VCF-style (leftmost placement, unchanged base first): chr6-45492024-ATG-A. GRCh37 (hg19) VCF-style: chr6-45459761-ATG-A.
Other names: c.770_771del, p.Met257fs (NM_001015051.4); c.728_729del, p.Met243fs (NM_001278478.2, NM_001369405.1); short protein forms M243fs, M257fs.
Identifiers: ClinVar variation 988232 (VCV000988232.1), dbSNP rs1800492946, ClinGen allele CA1625466977.